The following is an entry in ClinVar:

ClinVar aggregate classification (germline): Uncertain significance (1 of 4 stars; one submission).

Conditions:
Long QT syndrome (LQTS). Identifiers: MedGen C0023976, MeSH D008133, MONDO:0002442. Disease mechanism: loss of function. Inheritance: Various modes of inheritance.

Submission:

Labcorp Genetics (formerly Invitae), Labcorp
Classification: Uncertain significance for Long QT syndrome. Last evaluated: 2022-07-12. Review status: criteria provided, single submitter. Criteria: Invitae Variant Classification Sherloc (09022015). Collection method: clinical testing. Allele origin: germline.
Comment: ClinVar contains an entry for this variant (Variation ID: 1468190). This sequence change replaces valine, which is neutral and non-polar, with leucine, which is neutral and non-polar, at codon 2629 of the AKAP9 protein (p.Val2629Leu). This variant is not present in population databases (gnomAD no frequency). This variant has not been reported in the literature in individuals affected with AKAP9-related conditions. Algorithms developed to predict the effect of missense changes on protein structure and function (SIFT, PolyPhen-2, Align-GVGD) all suggest that this variant is likely to be tolerated. In summary, the available evidence is currently insufficient to determine the role of this variant in disease. Therefore, it has been classified as a Variant of Uncertain Significance.

NM_005751.5(AKAP9):c.7885G>C (p.Val2629Leu)

Gene: AKAP9 (A-kinase anchoring protein 9; plus strand). Cytogenetic location: 7q21.2.
Variant type: single nucleotide variant.
Coding change: c.7885G>C on transcript NM_005751.5 (MANE Select); coding-DNA position 7885, G replaced by C.
Protein change: p.Val2629Leu; replaces valine 2629 with leucine.
Molecular consequence: missense variant.
Genome position (GRCh38, 1-based): chr7:92,080,018, G>C. VCF-style: chr7-92080018-G-C. GRCh37 (hg19) VCF-style: chr7-91709332-G-C.
Other names: c.2530G>C, p.Val844Leu (NM_001379277.1); c.7861G>C, p.Val2621Leu (NM_147185.3); short protein forms V2629L, V2621L, V844L.
Identifiers: ClinVar variation 1468190 (VCV001468190.8), dbSNP rs2130862834, ClinGen allele CA368136741.